The following is an entry in ClinVar:

NM_001170629.2(CHD8):c.3634_3641del (p.Gly1212fs)

Gene: CHD8 (chromodomain helicase DNA binding protein 8; minus strand). Cytogenetic location: 14q11.2.
Variant type: Deletion.
Coding change: c.3634_3641del on transcript NM_001170629.2 (MANE Select); coding-DNA positions 3634 to 3641, 8 bases deleted (GGTGGACT; older notation c.3634_3641delGGTGGACT).
Protein change: p.Gly1212fs; shifts the reading frame from glycine 1212.
Molecular consequence: frameshift variant.
Genome position (GRCh38, 1-based): chr14:21,403,090-21,403,097, AGTCCACC deleted on the plus strand (GGTGGACT on the coding strand, the reverse complement: CHD8 is on the minus strand); deleting any 8 consecutive bases within chr14:21,403,090-21,403,099 gives the same sequence; the c. name uses the placement nearest the transcript's 3' end. VCF-style (leftmost placement, unchanged base first): chr14-21403089-AAGTCCACC-A. GRCh37 (hg19) VCF-style: chr14-21871248-AAGTCCACC-A.
Other names: c.2797_2804del, p.Gly933fs (NM_020920.4); short protein forms G1212fs, G933fs.
Identifiers: ClinVar variation 3902082 (VCV003902082.1).

ClinVar aggregate classification (germline): Likely pathogenic (1 of 4 stars; one submission).

Conditions:
Intellectual developmental disorder with autism and macrocephaly. Also called: CHD8-Related Neurodevelopmental Disorder with Overgrowth; Autism, susceptibility to, 18. Identifiers: Orphanet 642675, MedGen C3554373, MONDO:0014017, OMIM 615032.

Submission:

Laboratorio de Genetica e Diagnostico Molecular, Hospital Israelita Albert Einstein
Classification: Likely pathogenic for Intellectual developmental disorder with autism and macrocephaly. Last evaluated: 2023-12-08. Review status: criteria provided, single submitter. Criteria: ACMG Guidelines, 2015. Collection method: clinical testing. Allele origin: germline. Affected: yes.
Comment: ACMG classification criteria: PVS1 very strong, PM2 moderate